The following is an entry in ClinVar:

ClinVar aggregate classification (germline): Uncertain significance. Review status: criteria provided, multiple submitters, no conflicts (2 of 4 stars). 3 submissions from 3 submitters: Uncertain significance (3). Last evaluated 2024-10-24.

Conditions:
Hereditary spastic paraplegia 48. Also called: SPASTIC PARAPLEGIA 48, AUTOSOMAL RECESSIVE; Spastic paraplegia 48. Identifiers: Orphanet 306511, MedGen C3150901, MONDO:0013342, OMIM 613647.

Allele frequency attached by ClinVar (database versions not stated): gnomAD 0.00006 and 0.00007; TOPMed 0.00017; ExAC 0.00025; gnomAD exomes 0.00028.
gnomAD v4.1: 106 of 1,612,858 alleles (0.0066%); highest among the groups gnomAD compares: Admixed American, 0.12%; 2 homozygotes.

Submissions (4):

Labcorp Genetics (formerly Invitae), Labcorp
Classification: Uncertain significance for Hereditary spastic paraplegia 48. Last evaluated: 2024-10-24. Review status: criteria provided, single submitter. Criteria: Invitae Variant Classification Sherloc (09022015). Collection method: clinical testing. Allele origin: germline.
Comment: This sequence change replaces alanine, which is neutral and non-polar, with valine, which is neutral and non-polar, at codon 640 of the AP5Z1 protein (p.Ala640Val). This variant is present in population databases (rs562874262, gnomAD 0.2%). This variant has not been reported in the literature in individuals affected with AP5Z1-related conditions. ClinVar contains an entry for this variant (Variation ID: 360339). Invitae Evidence Modeling of protein sequence and biophysical properties (such as structural, functional, and spatial information, amino acid conservation, physicochemical variation, residue mobility, and thermodynamic stability) indicates that this missense variant is not expected to disrupt AP5Z1 protein function with a negative predictive value of 80%. Algorithms developed to predict the effect of sequence changes on RNA splicing suggest that this variant may disrupt the consensus splice site. In summary, the available evidence is currently insufficient to determine the role of this variant in disease. Therefore, it has been classified as a Variant of Uncertain Significance.

Mayo Clinic Laboratories, Mayo Clinic
Classification: Uncertain significance. Last evaluated: 2021-10-25. Review status: criteria provided, single submitter. Criteria: ACMG Guidelines, 2015. Collection method: clinical testing. Allele origin: germline.

Illumina Laboratory Services, Illumina
Classification: Uncertain significance for Hereditary spastic paraplegia 48. Last evaluated: 2018-01-13. Review status: criteria provided, single submitter. Criteria: ICSL Variant Classification Criteria 13 December 2019. Collection method: clinical testing. Allele origin: germline.

Dr. Peter K. Rogan Lab, Western University
No classification provided (evidence only). Condition: Familial cancer of breast. Review status: no classification provided. Collection method: in vitro. Allele origin: not applicable. Functional consequence: cryptic splice site, retained intron. Not counted in ClinVar's aggregate classification.

NM_014855.3(AP5Z1):c.1919C>T (p.Ala640Val)

Gene: AP5Z1 (adaptor related protein complex 5 subunit zeta 1; plus strand). Cytogenetic location: 7p22.1.
Variant type: single nucleotide variant.
Coding change: c.1919C>T on transcript NM_014855.3 (MANE Select); coding-DNA position 1919, C replaced by T.
Protein change: p.Ala640Val; replaces alanine 640 with valine.
Molecular consequence: missense variant. On other transcripts: non-coding transcript variant (1).
Genome position (GRCh38, 1-based): chr7:4,790,572, C>T. VCF-style: chr7-4790572-C-T. GRCh37 (hg19) VCF-style: chr7-4830203-C-T.
Other names: p.Ala640Val; c.1919C>T, p.Ala640Val (LRG_1247t1); c.1451C>T, p.Ala484Val (NM_001364858.1); short protein forms A640V, A484V.
Identifiers: ClinVar variation 360339 (VCV000360339.19), dbSNP rs562874262, ClinGen allele CA4138180.